The following is an entry in ClinVar:

NM_006785.4(MALT1):c.949_958+73del

Gene: MALT1 (MALT1 paracaspase; plus strand). Cytogenetic location: 18q21.32.
Variant type: Deletion.
Coding change: c.949_958+73del on transcript NM_006785.4 (MANE Select); coding-DNA position 949 through 73 bases into the intron after coding-DNA position 958, 83 bases deleted.
Molecular consequence: splice donor variant. On other transcripts: intron variant (1).
Genome position (GRCh38, 1-based): chr18:58,710,944-58,711,026, 83 bases deleted. GRCh37 (hg19): chr18:56,378,176-56,378,258.
Other names: c.925+872_925+954del (NM_173844.3).
Identifiers: ClinVar variation 4735873 (VCV004735873.1).

ClinVar aggregate classification (germline): Likely pathogenic (1 of 4 stars; one submission).

Conditions:
Combined immunodeficiency due to MALT1 deficiency. Also called: Immunodeficiency 12. Identifiers: Orphanet 397964, MedGen C3809583, MONDO:0014197, OMIM 615468.

Submission:

Labcorp Genetics (formerly Invitae), Labcorp
Classification: Likely pathogenic for Combined immunodeficiency due to MALT1 deficiency. Last evaluated: 2026-01-20. Review status: criteria provided, single submitter. Criteria: Invitae Variant Classification Sherloc (09022015). Collection method: clinical testing. Allele origin: germline.
Comment: This variant results in the deletion of part of exon 7 (c.949_958+73del) of the MALT1 gene. It is expected to disrupt RNA splicing. Variants that disrupt the donor or acceptor splice site typically lead to a loss of protein function (PMID: 16199547), and loss-of-function variants in MALT1 are known to be pathogenic (PMID: 23727036, 25627829). This variant is not present in population databases (gnomAD no frequency). This variant has not been reported in the literature in individuals affected with MALT1-related conditions. In summary, the currently available evidence indicates that the variant is pathogenic, but additional data are needed to prove that conclusively. Therefore, this variant has been classified as Likely Pathogenic.

Literature cited by the submitters: PubMed 16199547; PubMed 23727036; PubMed 25627829.